The following is an entry in ClinVar:

NM_022168.4(IFIH1):c.2454+4C>G

Gene: IFIH1 (interferon induced with helicase C domain 1; minus strand). Cytogenetic location: 2q24.2.
Variant type: single nucleotide variant.
Coding change: c.2454+4C>G on transcript NM_022168.4 (MANE Select); 4 bases into the intron after coding-DNA position 2454, C replaced by G.
Molecular consequence: intron variant.
Genome position (GRCh38, 1-based): chr2:162,273,791, G>C on the plus strand (C>G on the coding strand, the complement: IFIH1 is on the minus strand). VCF-style: chr2-162273791-G-C. GRCh37 (hg19) VCF-style: chr2-163130301-G-C.
Identifiers: ClinVar variation 2942133 (VCV002942133.3), dbSNP rs886038669, ClinGen allele CA2740095766.

ClinVar aggregate classification (germline): Uncertain significance (1 of 4 stars; one submission).

Conditions:
Aicardi-Goutieres syndrome 7 (AGS7). Identifiers: Orphanet 51, MedGen C3888244, MONDO:0014367, OMIM 615846.
Singleton-Merten syndrome 1 (SGMRT1). Also called: Widened medullary cavities of bone, aortic calcification, abnormal dentition, and muscular weakness; Syndrome of widened medullary cavities of the metacarpals and phalanges, aortic calcification and abnormal dentition. Identifiers: Orphanet 85191, MedGen C4225427, MONDO:0024535, OMIM 182250.

Submission:

Labcorp Genetics (formerly Invitae), Labcorp
Classification: Uncertain significance for Aicardi-Goutieres syndrome 7; Singleton-Merten syndrome 1. Last evaluated: 2023-03-27. Review status: criteria provided, single submitter. Criteria: Invitae Variant Classification Sherloc (09022015). Collection method: clinical testing. Allele origin: germline.
Comment: This variant has not been reported in the literature in individuals affected with IFIH1-related conditions. Variants that disrupt the consensus splice site are a relatively common cause of aberrant splicing (PMID: 17576681, 9536098). Algorithms developed to predict the effect of sequence changes on RNA splicing suggest that this variant is not likely to affect RNA splicing. In summary, the available evidence is currently insufficient to determine the role of this variant in disease. Therefore, it has been classified as a Variant of Uncertain Significance. This sequence change falls in intron 12 of the IFIH1 gene. It does not directly change the encoded amino acid sequence of the IFIH1 protein. It affects a nucleotide within the consensus splice site. This variant is not present in population databases (gnomAD no frequency).

Literature cited by the submitters: PubMed 17576681; PubMed 9536098.